The following is an entry in ClinVar:

NM_015047.3(EMC1):c.2007_2016del (p.Phe670fs)

Genes: EMC1 (ER membrane protein complex subunit 1; minus strand), EMC1-AS1 (EMC1 antisense RNA 1; plus strand). Cytogenetic location: 1p36.13.
Variant type: Deletion.
Coding change: c.2007_2016del on transcript NM_015047.3 (MANE Select); coding-DNA positions 2007 to 2016, 10 bases deleted (CTTCTTCTAT; older notation c.2007_2016delCTTCTTCTAT).
Protein change: p.Phe670fs; shifts the reading frame from phenylalanine 670.
Molecular consequence: frameshift variant.
Genome position (GRCh38, 1-based): chr1:19,230,892-19,230,901, ATAGAAGAAG deleted on the plus strand (CTTCTTCTAT on the coding strand, the reverse complement: EMC1 is on the minus strand); deleting any 10 consecutive bases within chr1:19,230,892-19,230,903 gives the same sequence; the c. name uses the placement nearest the transcript's 3' end. VCF-style (leftmost placement, unchanged base first): chr1-19230891-AATAGAAGAAG-A. GRCh37 (hg19) VCF-style: chr1-19557385-AATAGAAGAAG-A.
Other names: c.2004_2013del, p.Phe669fs (NM_001271427.2, NM_001271428.2); c.1941_1950del, p.Phe648fs (NM_001271429.2); c.2016_2025del, p.Phe673fs (NM_001375820.1); c.2013_2022del, p.Phe672fs (NM_001375821.1); short protein forms F669fs, F672fs, F648fs, F670fs, F673fs.
Identifiers: ClinVar variation 3650338 (VCV003650338.2).

ClinVar aggregate classification (germline): Pathogenic (1 of 4 stars; one submission).

Submission:

Labcorp Genetics (formerly Invitae), Labcorp
Classification: Pathogenic. Last evaluated: 2024-04-18. Review status: criteria provided, single submitter. Criteria: Invitae Variant Classification Sherloc (09022015). Collection method: clinical testing. Allele origin: germline.
Comment: This sequence change creates a premature translational stop signal (p.Phe670Trpfs*22) in the EMC1 gene. It is expected to result in an absent or disrupted protein product. Loss-of-function variants in EMC1 are known to be pathogenic (PMID: 26572623, 26942288, 29271071). This variant is not present in population databases (gnomAD no frequency). This variant has not been reported in the literature in individuals affected with EMC1-related conditions. For these reasons, this variant has been classified as Pathogenic.

Literature cited by the submitters: PubMed 26572623; PubMed 26942288; PubMed 29271071.